The following is an entry in ClinVar:

ClinVar aggregate classification (germline): Likely pathogenic (1 of 4 stars; one submission).

Conditions:
Developmental and epileptic encephalopathy. Identifiers: MedGen C5779964, MONDO:0100620.

Submission:

Labcorp Genetics (formerly Invitae), Labcorp
Classification: Likely pathogenic for Early infantile epileptic encephalopathy with suppression bursts. Last evaluated: 2019-11-08. Review status: criteria provided, single submitter. Criteria: Invitae Variant Classification Sherloc (09022015). Collection method: clinical testing. Allele origin: germline.
Comment: This sequence change replaces leucine with proline at codon 387 of the SCN1A protein (p.Leu387Pro). The leucine residue is highly conserved and there is a moderate physicochemical difference between leucine and proline. This variant is not present in population databases (ExAC no frequency). This variant has been observed in individual(s) with clinical features of SCN1A-related disease (Invitae). In at least one individual the variant was observed to be de novo. Algorithms developed to predict the effect of missense changes on protein structure and function (SIFT, PolyPhen-2, Align-GVGD) all suggest that this variant is likely to be disruptive, but these predictions have not been confirmed by published functional studies and their clinical significance is uncertain. In summary, the currently available evidence indicates that the variant is pathogenic, but additional data are needed to prove that conclusively. Therefore, this variant has been classified as Likely Pathogenic.

NM_001165963.4(SCN1A):c.1160T>C (p.Leu387Pro)

Gene: SCN1A (sodium voltage-gated channel alpha subunit 1; minus strand). Cytogenetic location: 2q24.3.
Variant type: single nucleotide variant.
Coding change: c.1160T>C on transcript NM_001165963.4 (MANE Select); coding-DNA position 1160, T replaced by C.
Protein change: p.Leu387Pro; replaces leucine 387 with proline.
Molecular consequence: missense variant. On other transcripts: 5 prime UTR variant (1), non-coding transcript variant (1).
Genome position (GRCh38, 1-based): chr2:166,047,637, A>G on the plus strand (T>C on the coding strand, the complement: SCN1A is on the minus strand). VCF-style: chr2-166047637-A-G. GRCh37 (hg19) VCF-style: chr2-166904147-A-G.
Other names: c.1160T>C, p.Leu387Pro (NM_001165964.3, NM_001202435.3, NM_001353948.2 and 10 more transcripts); c.-1266T>C (NM_001353961.2); short protein forms L387P.
Identifiers: ClinVar variation 942441 (VCV000942441.2), dbSNP rs1697998959, ClinGen allele CA349071083.
Genomic context (GRCh38, chr2:166,047,637, plus strand): 5'-TTTCTTGTATACTTTTACTTAAATGGAGAGTGTGGCTCTTTAGTTCTCACCAGTTGATAA[A>G]GATTTTCCCAGAAGTCCTGAGTCATTAGTCGAAACAAGGACAAAAAAGCCCAACTGAAGG-3'
Protein context (NP_001159435.1, residues 377-397): RLMTQDFWEN[Leu387Pro]YQLTLRAAGK